The following is an entry in ClinVar:

ClinVar aggregate classification (germline): Uncertain significance (1 of 4 stars; one submission).

Submission:

Labcorp Genetics (formerly Invitae), Labcorp
Classification: Uncertain significance. Last evaluated: 2022-12-02. Review status: criteria provided, single submitter. Criteria: Invitae Variant Classification Sherloc (09022015). Collection method: clinical testing. Allele origin: germline.
Comment: This sequence change replaces glutamic acid, which is acidic and polar, with alanine, which is neutral and non-polar, at codon 1024 of the SCN3A protein (p.Glu1024Ala). This variant is not present in population databases (gnomAD no frequency). This variant has not been reported in the literature in individuals affected with SCN3A-related conditions. ClinVar contains an entry for this variant (Variation ID: 1430648). Advanced modeling of protein sequence and biophysical properties (such as structural, functional, and spatial information, amino acid conservation, physicochemical variation, residue mobility, and thermodynamic stability) performed at Invitae indicates that this missense variant is not expected to disrupt SCN3A protein function. In summary, the available evidence is currently insufficient to determine the role of this variant in disease. Therefore, it has been classified as a Variant of Uncertain Significance.

NM_006922.4(SCN3A):c.3071A>C (p.Glu1024Ala)

Gene: SCN3A (sodium voltage-gated channel alpha subunit 3; minus strand). Cytogenetic location: 2q24.3.
Variant type: single nucleotide variant.
Coding change: c.3071A>C on transcript NM_006922.4 (MANE Select); coding-DNA position 3071, A replaced by C.
Protein change: p.Glu1024Ala; replaces glutamic acid 1024 with alanine.
Molecular consequence: missense variant.
Genome position (GRCh38, 1-based): chr2:165,127,953, T>G on the plus strand (A>C on the coding strand, the complement: SCN3A is on the minus strand). VCF-style: chr2-165127953-T-G. GRCh37 (hg19) VCF-style: chr2-165984463-T-G.
Other names: c.2924A>C, p.Glu975Ala (NM_001081676.2, NM_001081677.2); short protein forms E975A, E1024A.
Identifiers: ClinVar variation 1430648 (VCV001430648.8), dbSNP rs2105763570, ClinGen allele CA349041184.